The following is an entry in ClinVar:

NM_001386795.1(DTNA):c.604-14G>T

Gene: DTNA (dystrobrevin alpha; plus strand). Cytogenetic location: 18q12.1.
Variant type: single nucleotide variant.
Coding change: c.604-14G>T on transcript NM_001386795.1 (MANE Select); 14 bases into the intron before coding-DNA position 604, G replaced by T.
Molecular consequence: intron variant.
Genome position (GRCh38, 1-based): chr18:34,815,895, G>T. VCF-style: chr18-34815895-G-T. GRCh37 (hg19) VCF-style: chr18-32395859-G-T.
Other names: c.604-14G>T (NM_032975.4, NM_001386761.1, NM_001386762.1 and 34 more transcripts); c.603+3782G>T (NM_001198945.2).
Identifiers: ClinVar variation 46427 (VCV000046427.25), dbSNP rs397517447, ClinGen allele CA138340.

ClinVar aggregate classification (germline): Benign/Likely benign. Review status: criteria provided, multiple submitters, no conflicts (2 of 4 stars). 10 submissions from 10 submitters: Benign (7); Likely benign (1). 2 of the submissions do not count toward it. Last evaluated 2026-01-27.

Conditions:
Left ventricular noncompaction 1 (LVNC1). Also called: LEFT VENTRICULAR NONCOMPACTION 1 WITH OR WITHOUT CONGENITAL HEART DEFECTS. Identifiers: Orphanet 54260, MedGen C1858725, MONDO:0011403, OMIM 604169.

Allele frequency attached by ClinVar (database versions not stated): gnomAD 0.00123 and 0.00126; ExAC 0.00125; TOPMed 0.00131; 1000 Genomes Project 0.00140; gnomAD exomes 0.00140; 1000 Genomes Project 30x 0.00141.
gnomAD v4.1: 2,584 of 1,607,970 alleles (0.16%); highest among the groups gnomAD compares: Middle Eastern, 1.3%; 6 homozygotes.

Submissions (10):

Labcorp Genetics (formerly Invitae), Labcorp
Classification: Benign for Left ventricular noncompaction 1. Last evaluated: 2026-01-27. Review status: criteria provided, single submitter. Criteria: Invitae Variant Classification Sherloc (09022015). Collection method: clinical testing. Allele origin: germline.

Blueprint Genetics
Classification: Likely benign. Last evaluated: 2024-11-28. Review status: criteria provided, single submitter. Criteria: ACMG Guidelines, 2015. Collection method: clinical testing. Allele origin: germline.

Women's Health and Genetics/Laboratory Corporation of America, LabCorp
Classification: Benign. Last evaluated: 2021-11-21. Review status: criteria provided, single submitter. Criteria: LabCorp Variant Classification Summary - May 2015. Collection method: clinical testing. Allele origin: germline.

ARUP Laboratories, Molecular Genetics and Genomics, ARUP Laboratories
Classification: Benign for Left ventricular noncompaction 1. Last evaluated: 2021-02-24. Review status: criteria provided, single submitter. Criteria: ARUP Molecular Germline Variant Investigation Process 2021. Collection method: clinical testing. Allele origin: germline.

Laboratory for Molecular Medicine, Mass General Brigham Personalized Medicine
Classification: Benign. Last evaluated: 2017-10-26. Review status: criteria provided, single submitter. Criteria: LMM Criteria. Collection method: clinical testing. Allele origin: germline. Observed: 11 variant alleles.
Comment: c.604-14G>T in intron 7 of DTNA: This variant is not expected to have clinical s ignificance because it has been identified in 0.3% (99/34368) of Latino chromoso mes by the Genome Aggregation Database (gnomAD ; dbSNP rs397517447). BA1

Genome Diagnostics Laboratory, University Medical Center Utrecht
Classification: Benign for Left ventricular noncompaction 1. Last evaluated: 2016-09-13. Review status: criteria provided, single submitter. Criteria: ACGS Guidelines, 2013. Collection method: clinical testing. Allele origin: germline. Affected: yes. Study: VKGL Data-share Consensus.

GeneDx
Classification: Benign. Last evaluated: 2015-03-03. Review status: criteria provided, single submitter. Criteria: GeneDx Variant Classification Process June 2021. Collection method: clinical testing. Allele origin: germline. Affected: yes.

Breakthrough Genomics
Classification: Benign. Review status: criteria provided, single submitter. Criteria: ACMG Guidelines, 2015. Collection method: not provided. Allele origin: germline. Inheritance: Autosomal dominant inheritance. Affected: yes.

Diagnostic Laboratory, Department of Genetics, University Medical Center Groningen
Classification: Likely benign for Left ventricular noncompaction 1. Review status: no assertion criteria provided. Collection method: clinical testing. Allele origin: germline. Affected: yes. Study: VKGL Data-share Consensus. Not counted in ClinVar's aggregate classification.

Joint Genome Diagnostic Labs from Nijmegen and Maastricht, Radboudumc and MUMC+
Classification: Likely benign. Review status: no assertion criteria provided. Collection method: clinical testing. Allele origin: germline. Affected: yes. Study: VKGL Data-share Consensus. Not counted in ClinVar's aggregate classification.